The following is an entry in ClinVar:

NM_001080449.3(DNA2):c.2798G>T (p.Ser933Ile)

Gene: DNA2 (DNA replication helicase/nuclease 2; minus strand). Cytogenetic location: 10q21.3.
Variant type: single nucleotide variant.
Coding change: c.2798G>T on transcript NM_001080449.3 (MANE Select); coding-DNA position 2798, G replaced by T.
Protein change: p.Ser933Ile; replaces serine 933 with isoleucine.
Molecular consequence: missense variant. On other transcripts: non-coding transcript variant (1).
Genome position (GRCh38, 1-based): chr10:68,419,203, C>A on the plus strand (G>T on the coding strand, the complement: DNA2 is on the minus strand). VCF-style: chr10-68419203-C-A. GRCh37 (hg19) VCF-style: chr10-70178960-C-A.
Other names: short protein forms S933I.
Identifiers: ClinVar variation 4740651 (VCV004740651.1).

ClinVar aggregate classification (germline): Uncertain significance (1 of 4 stars; one submission).

Submission:

Labcorp Genetics (formerly Invitae), Labcorp
Classification: Uncertain significance. Last evaluated: 2025-04-07. Review status: criteria provided, single submitter. Criteria: Invitae Variant Classification Sherloc (09022015). Collection method: clinical testing. Allele origin: germline.
Comment: This sequence change replaces serine, which is neutral and polar, with isoleucine, which is neutral and non-polar, at codon 933 of the DNA2 protein (p.Ser933Ile). This variant is not present in population databases (gnomAD no frequency). This variant has not been reported in the literature in individuals affected with DNA2-related conditions. Invitae Evidence Modeling of protein sequence and biophysical properties (such as structural, functional, and spatial information, amino acid conservation, physicochemical variation, residue mobility, and thermodynamic stability) indicates that this missense variant is not expected to disrupt DNA2 protein function with a negative predictive value of 80%. In summary, the available evidence is currently insufficient to determine the role of this variant in disease. Therefore, it has been classified as a Variant of Uncertain Significance.